The following is an entry in ClinVar:

ClinVar aggregate classification (germline): Pathogenic/Likely pathogenic. Review status: criteria provided, multiple submitters, no conflicts (2 of 4 stars). 2 submissions from 2 submitters: Pathogenic (1); Likely pathogenic (1). Last evaluated 2023-11-29.

Conditions:
PHKG2-related disorder. Also called: PHKG2-related condition.
Glycogen storage disease IXc (GSD9C). Also called: GSD IXc. Identifiers: Orphanet 264580, MedGen C2751643, MONDO:0013091, OMIM 613027.

Allele frequency attached by ClinVar (database versions not stated): gnomAD 0.00001; TOPMed 0.00001.
gnomAD v4.1: 24 of 1,612,776 alleles (0.0015%); highest among the groups gnomAD compares: Non-Finnish European, 0.0017%; no homozygotes.

Submissions (2):

Labcorp Genetics (formerly Invitae), Labcorp
Classification: Pathogenic for Glycogen storage disease IXc. Last evaluated: 2023-11-29. Review status: criteria provided, single submitter. Criteria: Invitae Variant Classification Sherloc (09022015). Collection method: clinical testing. Allele origin: germline.
Comment: This sequence change creates a premature translational stop signal (p.Arg76*) in the PHKG2 gene. It is expected to result in an absent or disrupted protein product. Loss-of-function variants in PHKG2 are known to be pathogenic (PMID: 8896567, 17689125, 21646031). This variant is not present in population databases (gnomAD no frequency). This premature translational stop signal has been observed in individual(s) with clinical features of liver phosphorylase kinase deficiency (PMID: 32697758). ClinVar contains an entry for this variant (Variation ID: 1453300). Algorithms developed to predict the effect of sequence changes on RNA splicing suggest that this variant may disrupt the consensus splice site. For these reasons, this variant has been classified as Pathogenic.

Blueprint Genetics
Classification: Likely pathogenic for PHKG2-related disorders. Last evaluated: 2020-10-04. Review status: criteria provided, single submitter. Criteria: ACMG Guidelines, 2015. Collection method: clinical testing. Allele origin: germline. Affected: yes. Observed: 2 variant alleles.

Literature cited by the submitters: PubMed 8896567 (cited by Labcorp Genetics (formerly Invitae), Labcorp); PubMed 17689125 (cited by Labcorp Genetics (formerly Invitae), Labcorp); PubMed 21646031 (cited by Labcorp Genetics (formerly Invitae), Labcorp); PubMed 32697758 (cited by Labcorp Genetics (formerly Invitae), Labcorp).

NM_000294.3(PHKG2):c.226C>T (p.Arg76Ter)

Gene: PHKG2 (phosphorylase kinase catalytic subunit gamma 2; plus strand). Cytogenetic location: 16p11.2.
Variant type: single nucleotide variant.
Coding change: c.226C>T on transcript NM_000294.3 (MANE Select); coding-DNA position 226, C replaced by T.
Protein change: p.Arg76Ter; replaces arginine 76 with a stop codon.
Molecular consequence: nonsense.
Genome position (GRCh38, 1-based): chr16:30,751,236, C>T. VCF-style: chr16-30751236-C-T. GRCh37 (hg19) VCF-style: chr16-30762557-C-T.
Other names: c.226C>T, p.Arg76Ter (NM_001172432.2); short protein forms R76*.
Identifiers: ClinVar variation 1453300 (VCV001453300.7), dbSNP rs1450937339, ClinGen allele CA395653588.
Genomic context (GRCh38, chr16:30,751,236, plus strand): 5'-GAAGTGACAGCTGAGCGGCTGAGTCCTGAGCAGCTGGAGGAGGTGCGGGAAGCCACACGG[C>T]GAGAGACACACATCCTTCGCCAGGTCGCCGGCCACCCCCACATCAGTGAGGCTGTCTTCC-3'